The following is an entry in ClinVar:

ClinVar aggregate classification (germline): Uncertain significance (1 of 4 stars; one submission).

Conditions:
Hereditary cancer-predisposing syndrome. Also called: Neoplastic Syndromes, Hereditary; Hereditary neoplastic syndrome; Tumor predisposition; Hereditary Cancer Syndrome. Identifiers: Orphanet 140162, MedGen C0027672, MeSH D009386, MONDO:0015356.

Submission:

Ambry Genetics
Classification: Uncertain significance for Hereditary cancer-predisposing syndrome. Last evaluated: 2026-02-18. Review status: criteria provided, single submitter. Criteria: Ambry Variant Classification Scheme 2023. Collection method: clinical testing. Allele origin: germline.
Comment: The p.I644S variant (also known as c.1931T>G), located in coding exon 17 of the MRE11A gene, results from a T to G substitution at nucleotide position 1931. The isoleucine at codon 644 is replaced by serine, an amino acid with dissimilar properties. This amino acid position is conserved. In addition, the in silico prediction for this alteration is inconclusive. Based on the available evidence, the clinical significance of this variant remains unclear.

NM_005591.4(MRE11):c.1931T>G (p.Ile644Ser)

Gene: MRE11 (MRE11 double strand break repair nuclease; minus strand). Cytogenetic location: 11q21.
Variant type: single nucleotide variant.
Coding change: c.1931T>G on transcript NM_005591.4 (MANE Select); coding-DNA position 1931, T replaced by G.
Protein change: p.Ile644Ser; replaces isoleucine 644 with serine.
Molecular consequence: missense variant. On other transcripts: intron variant (1).
Genome position (GRCh38, 1-based): chr11:94,435,895, A>C on the plus strand (T>G on the coding strand, the complement: MRE11 is on the minus strand). VCF-style: chr11-94435895-A-C. GRCh37 (hg19) VCF-style: chr11-94169061-A-C.
Other names: c.1928T>G, p.Ile643Ser (NM_001330347.2, NM_001440464.1, NM_001440465.1); c.1931T>G, p.Ile644Ser (NM_001440460.1, NM_001440461.1, NM_001440462.1 and 1 more transcripts); c.1847T>G, p.Ile616Ser (NM_001440466.1, NM_005590.4, NM_001440474.1 and 4 more transcripts); c.1868T>G, p.Ile623Ser (NM_001440467.1, NM_001440468.1, NM_001440469.1); c.1865T>G, p.Ile622Ser (NM_001440470.1); c.1586T>G, p.Ile529Ser (NM_001440482.1, NM_001440483.1); c.1583T>G, p.Ile528Ser (NM_001440484.1); c.1463T>G, p.Ile488Ser (NM_001440485.1, NM_001440486.1, NM_001440487.1); and 6 more; short protein forms I528S, I595S, I617S, I529S, I598S, I618S, I619S, I644S.
Identifiers: ClinVar variation 4824450 (VCV004824450.1).
Genomic context (GRCh38, chr11:94,435,895, plus strand): 5'-TGATCTGTCTTTGAAGTGGTAGGAAAAATGTCTTCTTCCACATCTGATTCATCTACCTCA[A>C]TCACCTGGCAAGGAAACAAAGCAACAAACAGTTTTTGTGAGAATAGACTCTGAATAAAAA-3'
Protein context (NP_005582.1, residues 634-654): NVTTKNYSEV[Ile644Ser]EVDESDVEED